The following is an entry in ClinVar:

NM_032520.5(GNPTG):c.223G>C (p.Val75Leu)

Gene: GNPTG (N-acetylglucosamine-1-phosphate transferase subunit gamma; plus strand). Cytogenetic location: 16p13.3.
Variant type: single nucleotide variant.
Coding change: c.223G>C on transcript NM_032520.5 (MANE Select); coding-DNA position 223, G replaced by C.
Protein change: p.Val75Leu; replaces valine 75 with leucine.
Molecular consequence: missense variant.
Genome position (GRCh38, 1-based): chr16:1,361,787, G>C. VCF-style: chr16-1361787-G-C. GRCh37 (hg19) VCF-style: chr16-1411788-G-C.
Other names: short protein forms V75L.
Identifiers: ClinVar variation 1517263 (VCV001517263.3), dbSNP rs762024309, ClinGen allele CA394186619.

ClinVar aggregate classification (germline): Uncertain significance (1 of 4 stars; one submission).

gnomAD v4.1: 1 of 1,614,112 alleles (0.000062%); highest among the groups gnomAD compares: Middle Eastern, 0.016%; no homozygotes.

Submission:

Labcorp Genetics (formerly Invitae), Labcorp
Classification: Uncertain significance. Last evaluated: 2021-10-15. Review status: criteria provided, single submitter. Criteria: Invitae Variant Classification Sherloc (09022015). Collection method: clinical testing. Allele origin: germline.
Comment: This sequence change replaces valine with leucine at codon 75 of the GNPTG protein (p.Val75Leu). The valine residue is highly conserved and there is a small physicochemical difference between valine and leucine. This variant is not present in population databases (ExAC no frequency). This variant has not been reported in the literature in individuals with GNPTG-related disease. Algorithms developed to predict the effect of missense changes on protein structure and function (SIFT, PolyPhen-2, Align-GVGD) all suggest that this variant is likely to be tolerated, but these predictions have not been confirmed by published functional studies and their clinical significance is uncertain. In summary, the available evidence is currently insufficient to determine the role of this variant in disease. Therefore, it has been classified as a Variant of Uncertain Significance.